The following is an entry in ClinVar:

ClinVar aggregate classification (germline): Conflicting classifications of pathogenicity. Review status: criteria provided, conflicting classifications (1 of 4 stars). 11 submissions from 7 submitters: Uncertain significance (8); Benign (1); Likely benign (2). Last evaluated 2025-12-24.

Conditions:
Hereditary cancer-predisposing syndrome. Also called: Tumor predisposition; Neoplastic Syndromes, Hereditary; Hereditary neoplastic syndrome; Hereditary Cancer Syndrome. Identifiers: Orphanet 140162, MedGen C0027672, MeSH D009386, MONDO:0015356.
Cardiovascular phenotype. Identifiers: MedGen CN230736.
Neurofibromatosis, familial spinal (FSNF). Identifiers: Orphanet 636, MedGen C1834235, MONDO:0008078, OMIM 162210. Disease mechanism: loss of function.
Neurofibromatosis-Noonan syndrome (NFNS). Also called: NEUROFIBROMATOSIS WITH NOONAN PHENOTYPE. Identifiers: Orphanet 638, MedGen C2931482, MONDO:0011035, OMIM 601321. Disease mechanism: loss of function.
Neurofibromatosis, type 1 (NF1). Also called: NEUROFIBROMATOSIS, TYPE I, SOMATIC; Peripheral type neurofibromatosis; VON RECKLINGHAUSEN DISEASE; Neurofibromatosis, type I. Identifiers: Orphanet 636, MedGen C0027831, MONDO:0018975, OMIM 162200. Disease mechanism: loss of function.
Café-au-lait macules with pulmonary stenosis (WTSN). Also called: PULMONIC STENOSIS WITH CAFE-AU-LAIT SPOTS. Identifiers: MedGen C0553586, MONDO:0008672, OMIM 193520.
Juvenile myelomonocytic leukemia (JMML). Also called: LEUKEMIA, JUVENILE MYELOMONOCYTIC, SOMATIC. Identifiers: Orphanet 86834, MedGen C0349639, MONDO:0011908, OMIM 607785, HP:0012209.

Allele frequency attached by ClinVar (database versions not stated): gnomAD 0.00001; gnomAD exomes 0.00001; TOPMed 0.00001.
gnomAD v4.1: 31 of 1,614,000 alleles (0.0019%); highest among the groups gnomAD compares: Non-Finnish European, 0.0025%; no homozygotes.

Submissions (11):

Labcorp Genetics (formerly Invitae), Labcorp
Classification: Benign for Neurofibromatosis, type 1. Last evaluated: 2025-12-24. Review status: criteria provided, single submitter. Criteria: Invitae Variant Classification Sherloc (09022015). Collection method: clinical testing. Allele origin: germline.

Ambry Genetics
Classification: Likely benign for Cardiovascular phenotype; Hereditary cancer-predisposing syndrome. Last evaluated: 2025-07-01. Review status: criteria provided, single submitter. Criteria: Ambry Variant Classification Scheme 2023. Collection method: clinical testing. Allele origin: germline.

Fulgent Genetics
Classification: Uncertain significance for Neurofibromatosis, type 1; Neurofibromatosis, familial spinal; Café-au-lait macules with pulmonary stenosis; Neurofibromatosis-Noonan syndrome; Juvenile myelomonocytic leukemia. Last evaluated: 2024-04-16. Review status: criteria provided, single submitter. Criteria: ACMG Guidelines, 2015. Collection method: clinical testing. Allele origin: germline.

Blueprint Genetics
Classification: Likely benign. Last evaluated: 2022-10-27. Review status: criteria provided, single submitter. Criteria: ACMG Guidelines, 2015. Collection method: clinical testing. Allele origin: germline.

Genome-Nilou Lab
Classification: Uncertain significance for Neurofibromatosis, type 1. Last evaluated: 2022-03-15. Review status: criteria provided, single submitter. Criteria: ACMG Guidelines, 2015. Collection method: clinical testing. Allele origin: germline. Affected: no.

GeneDx
Classification: Uncertain significance. Last evaluated: 2018-02-19. Review status: criteria provided, single submitter. Criteria: GeneDx Variant Classification (06012015). Collection method: clinical testing. Allele origin: germline. Affected: yes.
Comment: This variant is denoted NF1 c.3906T>G at the cDNA level, p.Asp1302Glu (D1302E) at the protein level, and results in the change of an Aspartic Acid to a Glutamic Acid (GAT>GAG). This variant has not, to our knowledge, been published in the literature as a germline variant; however, it has been reported as a somatic variant in a melanoma (Krauthammer 2015). NF1 Asp1302Glu was not observed at a significant allele frequency in large population cohorts (Lek 2016). This variant is located in the GTPase activating protein domain (Thomas 2012). In silico analysis, which includes protein predictors and evolutionary conservation, supports that this variant does not alter protein structure/function. Based on currently available evidence, it is unclear whether NF1 Asp1302Glu is a pathogenic or benign variant. We consider it to be a variant of uncertain significance.

Illumina Laboratory Services, Illumina
Classification: Uncertain significance for Neurofibromatosis, familial spinal. Last evaluated: 2017-04-27. Review status: criteria provided, single submitter. Criteria: ICSL Variant Classification Criteria 13 December 2019. Collection method: clinical testing. Allele origin: germline.
Comment: This variant was observed as part of a predisposition screen in an ostensibly healthy population. A literature search was performed for the gene, cDNA change, and amino acid change (where applicable). Publications were found based on this search. However, the evidence from the literature, in combination with allele frequency data from public databases where available, was not sufficient to rule this variant in or out of causing disease. Therefore, this variant is classified as a variant of unknown significance.

Illumina Laboratory Services, Illumina
Classification: Uncertain significance for Neurofibromatosis-Noonan syndrome. Last evaluated: 2017-04-27. Review status: criteria provided, single submitter. Criteria: ICSL Variant Classification Criteria 13 December 2019. Collection method: clinical testing. Allele origin: germline.
Comment: the same text as in the submission from Illumina Laboratory Services, Illumina above.

Illumina Laboratory Services, Illumina
Classification: Uncertain significance for Neurofibromatosis, type 1. Last evaluated: 2017-04-27. Review status: criteria provided, single submitter. Criteria: ICSL Variant Classification Criteria 13 December 2019. Collection method: clinical testing. Allele origin: germline.
Comment: the same text as in the submission from Illumina Laboratory Services, Illumina above.

Illumina Laboratory Services, Illumina
Classification: Uncertain significance for Café-au-lait macules with pulmonary stenosis. Last evaluated: 2017-04-27. Review status: criteria provided, single submitter. Criteria: ICSL Variant Classification Criteria 13 December 2019. Collection method: clinical testing. Allele origin: germline.
Comment: the same text as in the submission from Illumina Laboratory Services, Illumina above.

Ambry Genetics
Classification: Uncertain significance for Hereditary cancer-predisposing syndrome. Last evaluated: 2015-10-30. Review status: criteria provided, single submitter. Criteria: Ambry Autosomal Dominant and X-Linked criteria (10/2015). Collection method: clinical testing. Allele origin: germline. Observed: 1 variant allele.
Comment: The p.D1302E variant (also known as c.3906T>G), located in coding exon 29 of the NF1 gene, results from a T to G substitution at nucleotide position 3906. The aspartic acid at codon 1302 is replaced by glutamic acid, an amino acid with highly similar properties. This variant was not reported in population based cohorts in the following databases: Database of Single Nucleotide Polymorphisms (dbSNP), NHLBI Exome Sequencing Project (ESP), and 1000 Genomes Project. In the ESP, this variant was not observed in 6503 samples (13006 alleles) with coverage at this position.To date, this alteration has been detected with an allele frequency of approximately 0.004% (greater than 110000 alleles tested) in our clinical cohort (includes this individual). Based on protein sequence alignment, this amino acid position is well conserved through sloth, however glutamic acid is the reference amino acid in lower vertebrate species. In addition, this alteration is predicted to be tolerated by in silico analysis. Since supporting evidence is limited at this time, the clinical significance of p.D1302E remains unclear.

Literature cited by the submitters: PubMed 21354044 (cited by Illumina Laboratory Services, Illumina).

NM_001042492.3(NF1):c.3906T>G (p.Asp1302Glu)

Gene: NF1 (neurofibromin 1; plus strand). Cytogenetic location: 17q11.2.
Variant type: single nucleotide variant.
Coding change: c.3906T>G on transcript NM_001042492.3 (MANE Select); coding-DNA position 3906, T replaced by G.
Protein change: p.Asp1302Glu; replaces aspartic acid 1302 with glutamic acid.
Molecular consequence: missense variant.
Genome position (GRCh38, 1-based): chr17:31,235,953, T>G. VCF-style: chr17-31235953-T-G. GRCh37 (hg19) VCF-style: chr17-29562971-T-G.
Other names: c.3906T>G, p.Asp1302Glu (NM_000267.4); short protein forms D1302E.
Identifiers: ClinVar variation 184818 (VCV000184818.21), dbSNP rs549058591, ClinGen allele CA190141.